The following is an entry in ClinVar:

ClinVar aggregate classification (germline): Uncertain significance (1 of 4 stars; one submission).

Conditions:
NFAT5-related disorder. Also called: NFAT5-related condition.

gnomAD v4.1: 5 of 1,613,860 alleles (0.00031%); highest among the groups gnomAD compares: Non-Finnish European, 0.00042%; no homozygotes.

Submission:

PreventionGenetics, part of Exact Sciences
Classification: Uncertain significance for NFAT5-related condition. Last evaluated: 2025-11-12. Review status: criteria provided, single submitter. Criteria: ACMG Guidelines, 2015. Collection method: clinical testing. Allele origin: germline.
Comment: The NFAT5 c.401C>T variant is predicted to result in the amino acid substitution p.Pro134Leu. To our knowledge, this variant has not been reported in the literature or in a large population database (gnomAD), indicating this variant is rare. At this time, the clinical significance of this variant is uncertain due to the absence of conclusive functional and genetic evidence.

NM_138713.4(NFAT5):c.683C>T (p.Pro228Leu)

Gene: NFAT5 (nuclear factor of activated T cells 5; plus strand). Cytogenetic location: 16q22.1.
Variant type: single nucleotide variant.
Coding change: c.683C>T on transcript NM_138713.4 (MANE Select); coding-DNA position 683, C replaced by T.
Protein change: p.Pro228Leu; replaces proline 228 with leucine.
Molecular consequence: missense variant. On other transcripts: intron variant (1).
Genome position (GRCh38, 1-based): chr16:69,647,457, C>T. VCF-style: chr16-69647457-C-T. GRCh37 (hg19) VCF-style: chr16-69681360-C-T.
Other names: c.683C>T, p.Pro228Leu (NM_001113178.3); c.629C>T, p.Pro210Leu (NM_006599.4); c.401C>T, p.Pro134Leu (NM_138714.4, NM_173214.3, NM_173215.3); c.140+290C>T (NM_001367709.1); short protein forms P210L, P228L, P134L.
Identifiers: ClinVar variation 4986500 (VCV004986500.1).